The following is an entry in ClinVar:

NM_000218.3(KCNQ1):c.1394-11017T>C

Genes: KCNQ1 (potassium voltage-gated channel subfamily Q member 1; plus strand), KCNQ1OT1 (KCNQ1 opposite strand/antisense transcript 1; minus strand). Cytogenetic location: 11p15.5.
Variant type: single nucleotide variant.
Coding change: c.1394-11017T>C on transcript NM_000218.3 (MANE Select); 11017 bases into the intron before coding-DNA position 1394, T replaced by C.
Molecular consequence: intron variant. On other transcripts: non-coding transcript variant (1).
Genome position (GRCh38, 1-based): chr11:2,650,944, T>C. VCF-style: chr11-2650944-T-C. GRCh37 (hg19) VCF-style: chr11-2672174-T-C.
Other names: c.1124-11017T>C (NM_001406837.1); c.1298-11017T>C (NM_001406836.1); c.854-11017T>C (NM_001406838.1); c.1013-11017T>C (NM_181798.2).
Identifiers: ClinVar variation 5039561 (VCV005039561.1).

ClinVar aggregate classification (germline): Likely benign (1 of 4 stars; one submission).

gnomAD v4.1: 389 of 398,328 alleles (0.098%); highest among the groups gnomAD compares: Non-Finnish European, 0.069%; no homozygotes.

Submission:

CeGaT Center for Human Genetics Tuebingen
Classification: Likely benign. Last evaluated: 2026-09-01. Review status: criteria provided, single submitter. Criteria: CeGaT Center For Human Genetics Tuebingen Variant Classification Criteria Version 2. Collection method: clinical testing. Allele origin: germline. Affected: yes. Observed: 2 variant alleles.
Comment: KCNQ1OT1: BS1